The following is an entry in ClinVar:

NM_007294.4(BRCA1):c.4986+6T>A

Gene: BRCA1 (BRCA1 DNA repair associated; minus strand). Cytogenetic location: 17q21.31.
Variant type: single nucleotide variant.
Coding change: c.4986+6T>A on transcript NM_007294.4 (MANE Select); 6 bases into the intron after coding-DNA position 4986, T replaced by A.
Molecular consequence: intron variant.
Genome position (GRCh38, 1-based): chr17:43,070,922, A>T on the plus strand (T>A on the coding strand, the complement: BRCA1 is on the minus strand). VCF-style: chr17-43070922-A-T. GRCh37 (hg19) VCF-style: chr17-41222939-A-T.
Other names: c.4842+6T>A (NM_001407749.1, NM_001407943.1, NM_001407748.1 and 21 more transcripts); c.1413+6T>A (NM_001408501.1, NM_001408500.1, NM_001408497.1 and 3 more transcripts); c.2382+6T>A (NM_001407968.1); c.4980+6T>A (NM_001407640.1, NM_001407631.1, NM_001407638.1 and 14 more transcripts); c.4983+6T>A (NM_001407626.1, NM_001407617.1, NM_001407622.1 and 17 more transcripts); c.4986+6T>A (NM_001407652.1, NM_001407854.1, NM_001407598.1 and 8 more transcripts); c.1461+6T>A (NM_001408492.1, NM_001408493.1); c.1530+6T>A (NM_001408468.1, NM_001408470.1, NM_001408469.1); and 71 more.
Identifiers: ClinVar variation 1515959 (VCV001515959.7), dbSNP rs80358086, ClinGen allele CA2573154006.

ClinVar aggregate classification (germline): Uncertain significance (1 of 4 stars; one submission).

Conditions:
Hereditary breast ovarian cancer syndrome. Also called: Hereditary breast and/or ovarian cancer syndrome; Breast and ovarian cancer; Hereditary breast and ovarian cancer; BRCA1- and BRCA2-Associated Hereditary Breast and Ovarian Cancer; Hereditary breast and ovarian cancer syndrome; Hereditary breast and ovarian cancer syndrome (HBOC). Identifiers: Orphanet 145, MedGen C0677776, MeSH D061325, MONDO:0003582. Disease mechanism: loss of function.

Submission:

Labcorp Genetics (formerly Invitae), Labcorp
Classification: Uncertain significance for Hereditary breast ovarian cancer syndrome. Last evaluated: 2021-11-23. Review status: criteria provided, single submitter. Criteria: Invitae Variant Classification Sherloc (09022015). Collection method: clinical testing. Allele origin: germline.
Comment: In summary, the available evidence is currently insufficient to determine the role of this variant in disease. Therefore, it has been classified as a Variant of Uncertain Significance. This variant disrupts the c.4986+6 nucleotide in the BRCA1 gene. Other variant(s) that disrupt this nucleotide have been determined to be pathogenic (PMID: 10406662, 16619214, 21120943, 21324516, 21965345, 24667779, 24729269, 30209399). This suggests that this nucleotide is clinically significant, and that variants that disrupt this position are likely to be disease-causing. Variants that disrupt the consensus splice site are a relatively common cause of aberrant splicing (PMID: 17576681, 9536098). Algorithms developed to predict the effect of sequence changes on RNA splicing suggest that this variant may disrupt the consensus splice site. This variant has not been reported in the literature in individuals affected with BRCA1-related conditions. This variant is not present in population databases (gnomAD no frequency). This sequence change falls in intron 15 of the BRCA1 gene. It does not directly change the encoded amino acid sequence of the BRCA1 protein. It affects a nucleotide within the consensus splice site.

Literature cited by the submitters: PubMed 10406662; PubMed 16619214; PubMed 21120943; PubMed 21324516; PubMed 21965345; PubMed 24667779; PubMed 24729269; PubMed 30209399; PubMed 17576681; PubMed 9536098.